The following is an entry in ClinVar:

NM_001379403.1(WDR26):c.1865+8T>C

Gene: WDR26 (WD repeat domain 26; minus strand). Cytogenetic location: 1q42.11.
Variant type: single nucleotide variant.
Coding change: c.1865+8T>C on transcript NM_001379403.1 (MANE Select); 8 bases into the intron after coding-DNA position 1865, T replaced by C.
Molecular consequence: intron variant.
Genome position (GRCh38, 1-based): chr1:224,398,881, A>G on the plus strand (T>C on the coding strand, the complement: WDR26 is on the minus strand). VCF-style: chr1-224398881-A-G. GRCh37 (hg19) VCF-style: chr1-224586583-A-G.
Other names: c.1517+8T>C (NM_001115113.3); c.1565+8T>C (NM_025160.7).
Identifiers: ClinVar variation 3389630 (VCV003389630.14).
Genomic context (GRCh38, chr1:224,398,881, plus strand): 5'-GCAAGTTCCACTACACATTTGAATATAAATCAGGTAATTGTTGTTTAATGGAAACAAAAA[A>G]TAGTTACATGTTCCTATCTGTAAGGTCCTCGAAGTTATAGCCCCGAATTCGCTGGTGTGT-3'

ClinVar aggregate classification (germline): Likely benign (1 of 4 stars; one submission).

gnomAD v4.1: 115 of 1,613,428 alleles (0.0071%); highest among the groups gnomAD compares: Non-Finnish European, 0.0096%; no homozygotes.

Submission:

CeGaT Center for Human Genetics Tuebingen
Classification: Likely benign. Last evaluated: 2024-09-01. Review status: criteria provided, single submitter. Criteria: CeGaT Center For Human Genetics Tuebingen Variant Classification Criteria Version 2. Collection method: clinical testing. Allele origin: germline. Affected: yes. Observed: 1 variant allele.
Comment: WDR26: BP4